The following is an entry in ClinVar:

ClinVar aggregate classification (germline): Uncertain significance (1 of 4 stars; one submission).

gnomAD v4.1: 8 of 1,614,200 alleles (0.0005%); highest among the groups gnomAD compares: Non-Finnish European, 0.00034%; no homozygotes.

Submission:

Labcorp Genetics (formerly Invitae), Labcorp
Classification: Uncertain significance. Last evaluated: 2026-01-22. Review status: criteria provided, single submitter. Criteria: Invitae Variant Classification Sherloc (09022015). Collection method: clinical testing. Allele origin: germline.
Comment: This sequence change replaces aspartic acid, which is acidic and polar, with valine, which is neutral and non-polar, at codon 499 of the BEST1 protein (p.Asp499Val). This variant is present in population databases (no rsID available, gnomAD 0.004%). This variant has not been reported in the literature in individuals affected with BEST1-related conditions. Invitae Evidence Modeling of protein sequence and biophysical properties (such as structural, functional, and spatial information, amino acid conservation, physicochemical variation, residue mobility, and thermodynamic stability) has been performed for this missense variant. However, the output from this modeling did not meet the statistical confidence thresholds required to predict the impact of this variant on BEST1 protein function. In summary, the available evidence is currently insufficient to determine the role of this variant in disease. Therefore, it has been classified as a Variant of Uncertain Significance.

NM_004183.4(BEST1):c.1496A>T (p.Asp499Val)

Gene: BEST1 (bestrophin 1; plus strand). Cytogenetic location: 11q12.3.
Variant type: single nucleotide variant.
Coding change: c.1496A>T on transcript NM_004183.4 (MANE Select); coding-DNA position 1496, A replaced by T.
Protein change: p.Asp499Val; replaces aspartic acid 499 with valine.
Molecular consequence: missense variant. On other transcripts: 3 prime UTR variant (1), non-coding transcript variant (1).
Genome position (GRCh38, 1-based): chr11:61,962,650, A>T. VCF-style: chr11-61962650-A-T. GRCh37 (hg19) VCF-style: chr11-61730122-A-T.
Other names: c.1316A>T, p.Asp439Val (NM_001139443.3, NM_001300787.2); c.1235A>T, p.Asp412Val (NM_001300786.2, NM_001440574.1); c.1178A>T, p.Asp393Val (NM_001363591.3); c.*391A>T (NM_001363592.2); c.524A>T, p.Asp175Val (NM_001363593.3); c.1496A>T, p.Asp499Val (NM_001440571.1); c.1415A>T, p.Asp472Val (NM_001440572.1); c.1343A>T, p.Asp448Val (NM_001440573.1); and 2 more; short protein forms D175V, D448V, D361V, D499V, D388V, D412V, D472V, D393V.
Identifiers: ClinVar variation 4696004 (VCV004696004.1).